The following is an entry in ClinVar:

NM_000238.4(KCNH2):c.2886G>A (p.Arg962=)

Gene: KCNH2 (potassium voltage-gated channel subfamily H member 2; minus strand). Cytogenetic location: 7q36.1.
Variant type: single nucleotide variant.
Coding change: c.2886G>A on transcript NM_000238.4 (MANE Select); coding-DNA position 2886, G replaced by A.
Protein change: p.Arg962=; no amino-acid change (arginine 962 retained).
Molecular consequence: synonymous variant.
Genome position (GRCh38, 1-based): chr7:150,947,685, C>T on the plus strand (G>A on the coding strand, the complement: KCNH2 is on the minus strand). VCF-style: chr7-150947685-C-T. GRCh37 (hg19) VCF-style: chr7-150644773-C-T.
Other names: c.1866G>A, p.Arg622= (NM_172057.3).
Identifiers: ClinVar variation 810209 (VCV000810209.27), dbSNP rs774873967, ClinGen allele CA035174.

ClinVar aggregate classification (germline): Likely benign. Review status: criteria provided, multiple submitters, no conflicts (2 of 4 stars). 4 submissions from 4 submitters: Likely benign (4). Last evaluated 2025-12-02.

Conditions:
Cardiac arrhythmia. Also called: Cardiac rhythm disease; Arrhythmia. Identifiers: MedGen C0003811, MONDO:0007263, HP:0011675.
Long QT syndrome (LQTS). Identifiers: MedGen C0023976, MeSH D008133, MONDO:0002442. Disease mechanism: loss of function. Inheritance: Various modes of inheritance.
Cardiovascular phenotype. Identifiers: MedGen CN230736.

Allele frequency attached by ClinVar (database versions not stated): gnomAD 0.00003; gnomAD exomes 0.00003 and 0.00004; TOPMed 0.00003; ExAC 0.00010.
gnomAD v4.1: 40 of 1,600,920 alleles (0.0025%); highest among the groups gnomAD compares: Middle Eastern, 0.05%; no homozygotes.

Submissions (4):

Labcorp Genetics (formerly Invitae), Labcorp
Classification: Likely benign for Long QT syndrome. Last evaluated: 2025-12-02. Review status: criteria provided, single submitter. Criteria: Invitae Variant Classification Sherloc (09022015). Collection method: clinical testing. Allele origin: germline.

All of Us Research Program, National Institutes of Health
Classification: Likely benign for Long QT syndrome. Last evaluated: 2023-12-01. Review status: criteria provided, single submitter. Criteria: ACMG Guidelines, 2015. Collection method: clinical testing. Allele origin: germline. Inheritance: Autosomal dominant inheritance. Observed: 7 variant alleles, 7 heterozygotes.
Comment: This study involves interpretation of variants in research participants for the purpose of population health screening. Participant phenotype was not available at the time of variant classification. Additional details can be found in publication PMID: 35346344, PMCID: PMC8962531

Ambry Genetics
Classification: Likely benign for Cardiovascular phenotype. Last evaluated: 2020-02-12. Review status: criteria provided, single submitter. Criteria: Ambry Variant Classification Scheme 2023. Collection method: clinical testing. Allele origin: germline.

Color Diagnostics, LLC DBA Color Health
Classification: Likely benign for Arrhythmia. Last evaluated: 2019-01-06. Review status: criteria provided, single submitter. Criteria: ACMG Guidelines, 2015. Collection method: clinical testing. Allele origin: germline.